The following is an entry in ClinVar:

NM_181332.3(NLGN4X):c.626-1G>A

Gene: NLGN4X (neuroligin 4 X-linked; minus strand). Cytogenetic location: Xp22.32.
Variant type: single nucleotide variant.
Coding change: c.626-1G>A on transcript NM_181332.3 (MANE Select); the canonical splice acceptor site of the intron before coding-DNA position 626, G replaced by A.
Molecular consequence: splice acceptor variant.
Genome position (GRCh38, 1-based): chrX:5,909,240, C>T on the plus strand (G>A on the coding strand, the complement: NLGN4X is on the minus strand). VCF-style: chrX-5909240-C-T. GRCh37 (hg19) VCF-style: chrX-5827281-C-T.
Other names: NM_020742.4:c.626-1G>A; c.626-1G>A (NM_001282145.2, NM_020742.4, NM_001282146.2).
Identifiers: ClinVar variation 2500874 (VCV002500874.1), dbSNP rs2518474197, ClinGen allele CA412012213.

ClinVar aggregate classification (germline): Likely pathogenic (1 of 4 stars; one submission).

Conditions:
Autism, susceptibility to, X-linked 2 (AUTSX2). Also called: Autism susceptibility, X-linked 2. Identifiers: MedGen C1845539, MONDO:0010341, OMIM 300495.

Submission:

Broad Center for Mendelian Genomics, Broad Institute of MIT and Harvard
Classification: Likely pathogenic for Autism, susceptibility to, X-linked 2. Last evaluated: 2023-05-02. Review status: criteria provided, single submitter. Criteria: ACMG Guidelines, 2015. Collection method: curation. Allele origin: germline. Inheritance: X-linked inheritance.
Comment: The hemizygous c.626-1G>A variant in NLGN4X was identified by our study in two male siblings with X-linked autism. The c.626-1G>A variant in NLGN4X has not been previously reported in individuals with X-linked autism 2. This variant was absent from large population studies. This variant is located in the 3' splice region. Computational tools do suggest an impact to splicing. However, this information is not predictive enough to determine pathogenicity. Heterozygous loss of function of the NLGN4X gene is an established disease mechanism in X-linked autism 2. In summary, although additional studies are required to fully establish its clinical significance, this variant is likely pathogenic for X-linked autism 2. ACMG/AMP Criteria applied: PVS1, PM2_Supporting (Richards 2015).